The following is an entry in ClinVar:

NM_004946.3(DOCK2):c.416A>T (p.Asp139Val)

Gene: DOCK2 (dedicator of cytokinesis 2; plus strand). Cytogenetic location: 5q35.1.
Variant type: single nucleotide variant.
Coding change: c.416A>T on transcript NM_004946.3 (MANE Select); coding-DNA position 416, A replaced by T.
Protein change: p.Asp139Val; replaces aspartic acid 139 with valine.
Molecular consequence: missense variant. On other transcripts: non-coding transcript variant (1).
Genome position (GRCh38, 1-based): chr5:169,674,391, A>T. VCF-style: chr5-169674391-A-T. GRCh37 (hg19) VCF-style: chr5-169101395-A-T.
Other names: short protein forms D139V.
Identifiers: ClinVar variation 952473 (VCV000952473.9), dbSNP rs1759212656, ClinGen allele CA362102687.

ClinVar aggregate classification (germline): Uncertain significance (1 of 4 stars; one submission).

Conditions:
DOCK2 deficiency. Also called: Immunodeficiency 40. Identifiers: Orphanet 447737, MedGen C4225328, MONDO:0014637, OMIM 616433.

Submission:

Labcorp Genetics (formerly Invitae), Labcorp
Classification: Uncertain significance for DOCK2 deficiency. Last evaluated: 2019-04-20. Review status: criteria provided, single submitter. Criteria: Invitae Variant Classification Sherloc (09022015). Collection method: clinical testing. Allele origin: germline.
Comment: This sequence change replaces aspartic acid with valine at codon 139 of the DOCK2 protein (p.Asp139Val). The aspartic acid residue is moderately conserved and there is a large physicochemical difference between aspartic acid and valine. This variant is not present in population databases (ExAC no frequency). This variant has not been reported in the literature in individuals with DOCK2-related conditions. Algorithms developed to predict the effect of missense changes on protein structure and function are either unavailable or do not agree on the potential impact of this missense change (SIFT: "Deleterious"; PolyPhen-2: "Probably Damaging"; Align-GVGD: "Class C0"). Algorithms developed to predict the effect of sequence changes on RNA splicing suggest that this variant may create or strengthen a splice site, but this prediction has not been confirmed by published transcriptional studies. In summary, the available evidence is currently insufficient to determine the role of this variant in disease. Therefore, it has been classified as a Variant of Uncertain Significance.